The following is an entry in ClinVar:

NM_001369268.1(ACAN):c.7678C>T (p.Arg2560Trp)

Gene: ACAN (aggrecan; plus strand). Cytogenetic location: 15q26.1.
Variant type: single nucleotide variant.
Coding change: c.7678C>T on transcript NM_001369268.1 (MANE Select); coding-DNA position 7678, C replaced by T.
Protein change: p.Arg2560Trp; replaces arginine 2560 with tryptophan.
Molecular consequence: missense variant.
Genome position (GRCh38, 1-based): chr15:88,874,452, C>T. VCF-style: chr15-88874452-C-T. GRCh37 (hg19) VCF-style: chr15-89417683-C-T.
Other names: c.7267C>T, p.Arg2423Trp (NM_001135.4); c.7450C>T, p.Arg2484Trp (NM_001411096.1); c.7564C>T, p.Arg2522Trp (NM_001411097.1, NM_013227.4); short protein forms R2423W, R2484W, R2522W, R2560W.
Identifiers: ClinVar variation 3367101 (VCV003367101.2).

ClinVar aggregate classification (germline): Uncertain significance. Review status: criteria provided, multiple submitters, no conflicts (2 of 4 stars). 2 submissions from 2 submitters: Uncertain significance (2). Last evaluated 2026-01-20.

Conditions:
Spondyloepimetaphyseal dysplasia, aggrecan type. Also called: SEMD, AGGRECAN TYPE. Identifiers: Orphanet 171866, MedGen C2748544, MONDO:0013014, OMIM 612813.

gnomAD v4.1: 15 of 1,606,402 alleles (0.00093%); highest among the groups gnomAD compares: Non-Finnish European, 0.0012%; no homozygotes.

Submissions (2):

Labcorp Genetics (formerly Invitae), Labcorp
Classification: Uncertain significance. Last evaluated: 2026-01-20. Review status: criteria provided, single submitter. Criteria: Invitae Variant Classification Sherloc (09022015). Collection method: clinical testing. Allele origin: germline.
Comment: This sequence change replaces arginine, which is basic and polar, with tryptophan, which is neutral and slightly polar, at codon 2522 of the ACAN protein (p.Arg2522Trp). The frequency data for this variant in the population databases is considered unreliable, as metrics indicate poor data quality at this position in the gnomAD database. This variant has not been reported in the literature in individuals affected with ACAN-related conditions. ClinVar contains an entry for this variant (Variation ID: 3367101). An algorithm developed to predict the effect of missense changes on protein structure and function (PolyPhen-2) suggests that this variant is likely to be disruptive. In summary, the available evidence is currently insufficient to determine the role of this variant in disease. Therefore, it has been classified as a Variant of Uncertain Significance.

Neuberg Centre For Genomic Medicine, NCGM
Classification: Uncertain significance for Spondyloepimetaphyseal dysplasia, aggrecan type. Last evaluated: 2023-05-20. Review status: criteria provided, single submitter. Criteria: ACMG Guidelines, 2015. Collection method: clinical testing. Allele origin: germline. Inheritance: Autosomal recessive inheritance. Affected: yes.
Comment: The missense c.7678C>T (p.Arg2560Trp) variant in the ACAN gene has not been reported previously as a pathogenic variant nor as a benign variant, to our knowledge. This variant is reported with the allele frequency (0.0004%) in the gnomAD Exomes. The amino acid Arginine at position 2560 is changed to a Tryptophan changing protein sequence and it might alter its composition and physico-chemical properties. Computational evidence (SIFT – Damaging and MutationTaster -Polymorphism) predicts conflicting evidence on protein structure and function for this variant. The amino acid change Arginine in ACAN is predicted as conserved by GERP++. For these reasons, this variant has been classified as Uncertain Significance.